The following is an entry in ClinVar:

ClinVar aggregate classification (germline): Uncertain significance (1 of 4 stars; one submission).

gnomAD v4.1: 10 of 1,611,152 alleles (0.00062%); highest among the groups gnomAD compares: South Asian, 0.0011%; no homozygotes.

Submission:

CeGaT Center for Human Genetics Tuebingen
Classification: Uncertain significance. Last evaluated: 2022-07-01. Review status: criteria provided, single submitter. Criteria: CeGaT Center For Human Genetics Tuebingen Variant Classification Criteria Version 2. Collection method: clinical testing. Allele origin: germline. Affected: yes. Observed: 1 variant allele.
Comment: MAPK8IP3: PM2

NM_001318852.2(MAPK8IP3):c.2111C>T (p.Pro704Leu)

Gene: MAPK8IP3 (mitogen-activated protein kinase 8 interacting protein 3; plus strand). Cytogenetic location: 16p13.3.
Variant type: single nucleotide variant.
Coding change: c.2111C>T on transcript NM_001318852.2 (MANE Select); coding-DNA position 2111, C replaced by T.
Protein change: p.Pro704Leu; replaces proline 704 with leucine.
Molecular consequence: missense variant.
Genome position (GRCh38, 1-based): chr16:1,764,200, C>T. VCF-style: chr16-1764200-C-T. GRCh37 (hg19) VCF-style: chr16-1814201-C-T.
Other names: c.2090C>T, p.Pro697Leu (NM_001040439.2); c.2108C>T, p.Pro703Leu (NM_015133.5, NM_033392.3); short protein forms P697L, P703L, P704L.
Identifiers: ClinVar variation 2645923 (VCV002645923.24), dbSNP rs750813175, ClinGen allele CA394233667.